The following is an entry in ClinVar:

ClinVar aggregate classification (germline): Uncertain significance (1 of 4 stars; one submission).

Allele frequency attached by ClinVar (database versions not stated): gnomAD exomes 0.00001; ExAC 0.00002; gnomAD 0.00002; TOPMed 0.00002.
gnomAD v4.1: 23 of 1,592,048 alleles (0.0014%); highest among the groups gnomAD compares: East Asian, 0.0023%; no homozygotes.

Submission:

Labcorp Genetics (formerly Invitae), Labcorp
Classification: Uncertain significance. Last evaluated: 2022-10-04. Review status: criteria provided, single submitter. Criteria: Invitae Variant Classification Sherloc (09022015). Collection method: clinical testing. Allele origin: germline.
Comment: In summary, the available evidence is currently insufficient to determine the role of this variant in disease. Therefore, it has been classified as a Variant of Uncertain Significance. Advanced modeling of protein sequence and biophysical properties (such as structural, functional, and spatial information, amino acid conservation, physicochemical variation, residue mobility, and thermodynamic stability) performed at Invitae indicates that this missense variant is not expected to disrupt CFAP410 protein function. ClinVar contains an entry for this variant (Variation ID: 1359204). This variant has not been reported in the literature in individuals affected with CFAP410-related conditions. The frequency data for this variant in the population databases is considered unreliable, as metrics indicate poor data quality at this position in the gnomAD database. This sequence change replaces alanine, which is neutral and non-polar, with threonine, which is neutral and polar, at codon 185 of the CFAP410 protein (p.Ala185Thr).

NM_004928.3(CFAP410):c.553G>A (p.Ala185Thr)

Gene: CFAP410 (cilia and flagella associated protein 410; minus strand). Cytogenetic location: 21q22.3.
Variant type: single nucleotide variant.
Coding change: c.553G>A on transcript NM_004928.3 (MANE Select); coding-DNA position 553, G replaced by A.
Protein change: p.Ala185Thr; replaces alanine 185 with threonine.
Molecular consequence: missense variant.
Genome position (GRCh38, 1-based): chr21:44,330,912, C>T on the plus strand (G>A on the coding strand, the complement: CFAP410 is on the minus strand). VCF-style: chr21-44330912-C-T. GRCh37 (hg19) VCF-style: chr21-45750795-C-T.
Other names: c.550G>A, p.Ala184Thr (NM_001271440.2, NM_001271441.2); c.427G>A, p.Ala143Thr (NM_001271442.1); short protein forms A184T, A185T, A143T.
Identifiers: ClinVar variation 1359204 (VCV001359204.6), dbSNP rs757262220, ClinGen allele CA10053602.